The following is an entry in ClinVar:

ClinVar aggregate classification (germline): Likely pathogenic (1 of 4 stars; one submission).

Conditions:
Cohen syndrome (COH1). Also called: Cutis verticis gyrata, retinitis pigmentosa, and sensorineural deafness; PEPPER SYNDROME. Identifiers: Orphanet 193, MedGen C0265223, MONDO:0008999, OMIM 216550.

Allele frequency attached by ClinVar (database versions not stated): ExAC 0.00001.
gnomAD v4.1: 1 of 1,614,090 alleles (0.000062%); highest among the groups gnomAD compares: Admixed American, 0.0017%; no homozygotes.

Submission:

Labcorp Genetics (formerly Invitae), Labcorp
Classification: Likely pathogenic for Cohen syndrome. Last evaluated: 2022-08-23. Review status: criteria provided, single submitter. Criteria: Invitae Variant Classification Sherloc (09022015). Collection method: clinical testing. Allele origin: germline.
Comment: In summary, the currently available evidence indicates that the variant is pathogenic, but additional data are needed to prove that conclusively. Therefore, this variant has been classified as Likely Pathogenic. Algorithms developed to predict the effect of sequence changes on RNA splicing suggest that this variant may disrupt the consensus splice site. This variant has not been reported in the literature in individuals affected with VPS13B-related conditions. This variant is present in population databases (rs747363890, gnomAD 0.003%). This sequence change affects an acceptor splice site in intron 59 of the VPS13B gene. It is expected to disrupt RNA splicing. Variants that disrupt the donor or acceptor splice site typically lead to a loss of protein function (PMID: 16199547), and loss-of-function variants in VPS13B are known to be pathogenic (PMID: 15141358, 16648375, 20461111).

Literature cited by the submitters: PubMed 16199547; PubMed 15141358; PubMed 16648375; PubMed 20461111.

NM_152564.5(VPS13B):c.11393-1G>C

Gene: VPS13B (vacuolar protein sorting 13 homolog B; plus strand). Cytogenetic location: 8q22.2.
Variant type: single nucleotide variant.
Coding change: c.11393-1G>C on transcript NM_152564.5 (MANE Select); the canonical splice acceptor site of the intron before coding-DNA position 11393, G replaced by C.
Molecular consequence: splice acceptor variant.
Genome position (GRCh38, 1-based): chr8:99,870,784, G>C. VCF-style: chr8-99870784-G-C. GRCh37 (hg19) VCF-style: chr8-100883012-G-C.
Other names: c.11468-1G>C (NM_017890.5).
Identifiers: ClinVar variation 1969292 (VCV001969292.5), dbSNP rs747363890, ClinGen allele CA4825238.